The following is an entry in ClinVar:

NM_000540.3(RYR1):c.14803G>A (p.Gly4935Ser)

Gene: RYR1 (ryanodine receptor 1; plus strand). Cytogenetic location: 19q13.2.
Variant type: single nucleotide variant.
Coding change: c.14803G>A on transcript NM_000540.3 (MANE Select); coding-DNA position 14803, G replaced by A.
Protein change: p.Gly4935Ser; replaces glycine 4935 with serine.
Molecular consequence: missense variant.
Genome position (GRCh38, 1-based): chr19:38,585,099, G>A. VCF-style: chr19-38585099-G-A. GRCh37 (hg19) VCF-style: chr19-39075739-G-A.
Other names: c.14788G>A, p.Gly4930Ser (NM_001042723.2); short protein forms G4930S, G4935S.
Identifiers: ClinVar variation 1210316 (VCV001210316.4), dbSNP rs2145913747, ClinGen allele CA405691206.

ClinVar aggregate classification (germline): Likely pathogenic. Review status: reviewed by expert panel (3 of 4 stars). 2 submissions from 2 submitters: Likely pathogenic (1). 1 of the submissions does not count toward it. Last evaluated 2025-08-01.

Conditions:
Malignant hyperthermia of anesthesia. Also called: Anesthesic-triggered malignant hyperthermia. Identifiers: Orphanet 423, MedGen C0024591, MONDO:0018493, HP:0034733.

Submissions (2):

ClinGen Malignant Hyperthermia Susceptibility Variant Curation Expert Panel, ClinGen
Classification: Likely pathogenic for Malignant hyperthermia of anesthesia. Last evaluated: 2025-08-01. Review status: reviewed by expert panel. Criteria: ClinGen MHS ACMG Specifications V2. Collection method: curation. Allele origin: germline. Inheritance: Autosomal dominant inheritance.
Comment: This pathogenicity assessment is relevant only for malignant hyperthermia susceptibility (MHS) inherited in an autosomal dominant pattern. Variants in RYR1 can also cause other myopathies inherited in an autosomal dominant pattern or in an autosomal recessive pattern. Some of these disorders may predispose individuals to malignant hyperthermia. RYR1 variants may also contribute to a malignant hyperthermia reaction in combination with other genetic and non-genetic factors and the clinician needs to consider such factors in making management decisions. This sequence variant predicts a substitution of glycine with serine at codon 4935 of the RYR1 protein, p.(Gly4935Ser). This variant was not present in a large population database (gnomAD) at the time this variant was interpreted. This variant has been reported in two unrelated individuals who have a personal or family history of a malignant hyperthermia reaction, both of these individuals had a positive in vitro contracture test (IVCT) or caffeine halothane contracture test (CHCT) result (if the proband was unavailable for testing, a positive diagnostic test result in a mutation-positive relative was counted), PS4_Moderate (PMID:19918671, PMID:21455645). This variant segregates with MHS in >10 individuals, PP1_Strong (PMID:19918671). No functional studies were identified for this variant. This variant resides in a region of RYR1 considered to be a hotspot for pathogenic variants that contribute to MHS, PM1_Supporting (PMID: 21118704). A REVEL score >0.85 (0.962) supports a pathogenic status for this variant, PP3_Moderate. This variant has been classified as Likely Pathogenic. Criteria implemented: PS4_Moderate, PM1_Supporting, PP1_Strong, PP3_Moderate.

Institute for Clinical Genetics, University Hospital TU Dresden, University Hospital TU Dresden
Classification: Pathogenic. Last evaluated: 2021-07-16. Review status: criteria provided, single submitter. Criteria: ACMG Guidelines, 2015. Collection method: clinical testing. Allele origin: germline. Not counted in ClinVar's aggregate classification.